The following is an entry in ClinVar:

ClinVar aggregate classification (germline): Uncertain significance. Review status: criteria provided, multiple submitters, no conflicts (2 of 4 stars). 2 submissions from 2 submitters: Uncertain significance (2). Last evaluated 2024-06-26.

Conditions:
Inborn genetic diseases. Identifiers: MedGen C0950123, MeSH D030342.

Allele frequency attached by ClinVar (database versions not stated): gnomAD exomes below 0.00001 and 0.00001; ExAC 0.00001; gnomAD 0.00001; TOPMed 0.00002.
gnomAD v4.1: 9 of 1,613,772 alleles (0.00056%); highest among the groups gnomAD compares: African/African-American, 0.0027%; no homozygotes.

Submissions (2):

Ambry Genetics
Classification: Uncertain significance for Inborn genetic diseases. Last evaluated: 2024-06-26. Review status: criteria provided, single submitter. Criteria: Ambry Variant Classification Scheme 2023. Collection method: clinical testing. Allele origin: germline.

Labcorp Genetics (formerly Invitae), Labcorp
Classification: Uncertain significance. Last evaluated: 2023-07-07. Review status: criteria provided, single submitter. Criteria: Invitae Variant Classification Sherloc (09022015). Collection method: clinical testing. Allele origin: germline.
Comment: This variant has not been reported in the literature in individuals affected with P4HB-related conditions. In summary, the available evidence is currently insufficient to determine the role of this variant in disease. Therefore, it has been classified as a Variant of Uncertain Significance. Advanced modeling of protein sequence and biophysical properties (such as structural, functional, and spatial information, amino acid conservation, physicochemical variation, residue mobility, and thermodynamic stability) performed at Invitae indicates that this missense variant is not expected to disrupt P4HB protein function. ClinVar contains an entry for this variant (Variation ID: 1380016). This variant is present in population databases (rs752285260, gnomAD 0.0009%). This sequence change replaces glutamine, which is neutral and polar, with arginine, which is basic and polar, at codon 475 of the P4HB protein (p.Gln475Arg).

NM_000918.4(P4HB):c.1424A>G (p.Gln475Arg)

Gene: P4HB (prolyl 4-hydroxylase subunit beta; minus strand). Cytogenetic location: 17q25.3.
Variant type: single nucleotide variant.
Coding change: c.1424A>G on transcript NM_000918.4 (MANE Select); coding-DNA position 1424, A replaced by G.
Protein change: p.Gln475Arg; replaces glutamine 475 with arginine.
Molecular consequence: missense variant.
Genome position (GRCh38, 1-based): chr17:81,845,166, T>C on the plus strand (A>G on the coding strand, the complement: P4HB is on the minus strand). VCF-style: chr17-81845166-T-C. GRCh37 (hg19) VCF-style: chr17-79803042-T-C.
Other names: c.1424A>G (NM_000918.3); short protein forms Q475R.
Identifiers: ClinVar variation 1380016 (VCV001380016.9), dbSNP rs752285260, ClinGen allele CA8842609.